The following is an entry in ClinVar:

ClinVar aggregate classification (germline): Likely benign. Review status: criteria provided, multiple submitters, no conflicts (2 of 4 stars). 7 submissions from 7 submitters: Likely benign (5). 2 of the submissions do not count toward it. Last evaluated 2025-12-30.

Conditions:
Hereditary cancer-predisposing syndrome. Also called: Hereditary Cancer Syndrome; Hereditary neoplastic syndrome; Neoplastic Syndromes, Hereditary; Tumor predisposition. Identifiers: Orphanet 140162, MedGen C0027672, MeSH D009386, MONDO:0015356.
BRCA1-related cancer predisposition. Identifiers: MedGen CN377757, MONDO:0700268.
Breast-ovarian cancer, familial, susceptibility to, 1 (BROVCA1). Also called: BRCA1 Hereditary Breast and Ovarian Cancer; OVARIAN CANCER, SUSCEPTIBILITY TO. Identifiers: Orphanet 145, MedGen C2676676, MONDO:0011450, OMIM 604370. Disease mechanism: loss of function.
Hereditary breast ovarian cancer syndrome. Also called: BRCA1- and BRCA2-Associated Hereditary Breast and Ovarian Cancer; Hereditary breast and ovarian cancer syndrome; Hereditary breast and ovarian cancer syndrome (HBOC); Breast and ovarian cancer; Hereditary breast and/or ovarian cancer syndrome; Hereditary breast and ovarian cancer. Identifiers: Orphanet 145, MedGen C0677776, MeSH D061325, MONDO:0003582. Disease mechanism: loss of function.

Allele frequency attached by ClinVar (database versions not stated): ExAC 0.00002; gnomAD exomes 0.00001.
gnomAD v4.1: 7 of 1,613,814 alleles (0.00043%); highest among the groups gnomAD compares: South Asian, 0.0044%; no homozygotes.

Submissions (7):

Labcorp Genetics (formerly Invitae), Labcorp
Classification: Likely benign for Hereditary breast ovarian cancer syndrome. Last evaluated: 2025-12-30. Review status: criteria provided, single submitter. Criteria: Invitae Variant Classification Sherloc (09022015). Collection method: clinical testing. Allele origin: germline.

All of Us Research Program, National Institutes of Health
Classification: Likely benign for BRCA1-related cancer predisposition. Last evaluated: 2024-03-05. Review status: criteria provided, single submitter. Criteria: ACMG Guidelines, 2015. Collection method: clinical testing. Allele origin: germline. Inheritance: Autosomal dominant inheritance. Observed: 2 variant alleles, 2 heterozygotes.
Comment: This study involves interpretation of variants in research participants for the purpose of population health screening. Participant phenotype was not available at the time of variant classification. Additional details can be found in publication PMID: 35346344, PMCID: PMC8962531

GeneDx
Classification: Likely benign. Last evaluated: 2021-03-22. Review status: criteria provided, single submitter. Criteria: GeneDx Variant Classification Process June 2021. Collection method: clinical testing. Allele origin: germline. Affected: yes.
Comment: Not observed at a significant frequency in large population cohorts (Lek et al., 2016); In silico analysis supports that this missense variant does not alter protein structure/function; This variant is associated with the following publications: (PMID: 20516115, 30257991, 30765603, 28781887, 33552952, 31131967, 17305420, 17453335, 12142080)

Color Diagnostics, LLC DBA Color Health
Classification: Likely benign for Hereditary cancer-predisposing syndrome. Last evaluated: 2018-05-03. Review status: criteria provided, single submitter. Criteria: ACMG Guidelines, 2015. Collection method: clinical testing. Allele origin: germline.

Ambry Genetics
Classification: Likely benign for Hereditary cancer-predisposing syndrome. Last evaluated: 2015-04-14. Review status: criteria provided, single submitter. Criteria: Ambry Variant Classification Scheme 2023. Collection method: clinical testing. Allele origin: germline.

Sharing Clinical Reports Project (SCRP)
Classification: Uncertain significance for Breast-ovarian cancer, familial 1. Last evaluated: 2012-07-09. Review status: no assertion criteria provided. Collection method: clinical testing. Allele origin: germline. Not counted in ClinVar's aggregate classification.

Breast Cancer Information Core (BIC) (BRCA1)
Classification: Uncertain significance for Breast-ovarian cancer, familial 1. Last evaluated: 2004-02-20. Review status: no assertion criteria provided. Collection method: clinical testing. Allele origin: germline. Affected: yes. Observed: 2 variant alleles. Not counted in ClinVar's aggregate classification.

Literature cited by the submitters: Ladopolou-et-al.,-Cancer-Lett,-185:61,-2002 (cited by Breast Cancer Information Core (BIC) (BRCA1)).

NM_007294.4(BRCA1):c.5566C>T (p.Pro1856Ser)

Gene: BRCA1 (BRCA1 DNA repair associated; minus strand). Cytogenetic location: 17q21.31.
Variant type: single nucleotide variant.
Coding change: c.5566C>T on transcript NM_007294.4 (MANE Select); coding-DNA position 5566, C replaced by T.
Protein change: p.Pro1856Ser; replaces proline 1856 with serine.
Molecular consequence: missense variant. On other transcripts: 3 prime UTR variant (1), non-coding transcript variant (1).
Genome position (GRCh38, 1-based): chr17:43,045,704, G>A on the plus strand (C>T on the coding strand, the complement: BRCA1 is on the minus strand). VCF-style: chr17-43045704-G-A. GRCh37 (hg19) VCF-style: chr17-41197721-G-A.
Other names: 5685C>T; c.5563C>T, p.Pro1855Ser (NM_001407624.1, NM_001407625.1, NM_001407626.1 and 14 more transcripts); c.5560C>T, p.Pro1854Ser (NM_001407627.1, NM_001407628.1, NM_001407629.1 and 13 more transcripts); c.5566C>T, p.Pro1856Ser (NM_001407597.1, NM_001407598.1, NM_001407602.1 and 5 more transcripts); c.5557C>T, p.Pro1853Ser (NM_001407644.1, NM_001407645.1); c.5554C>T, p.Pro1852Ser (NM_001407646.1); c.5551C>T, p.Pro1851Ser (NM_001407647.1); c.5509C>T, p.Pro1837Ser (NM_001407648.1); and 75 more; short protein forms P1856S, P1809S, P752S, P1877S, P1727S, P1766S, P1768S, P1785S.
Identifiers: ClinVar variation 55632 (VCV000055632.22), dbSNP rs80357274, ClinGen allele CA003722.